The following is an entry in ClinVar:

ClinVar aggregate classification (germline): Likely benign. Review status: criteria provided, multiple submitters, no conflicts (2 of 4 stars). 3 submissions from 3 submitters: Likely benign (3). Last evaluated 2025-06-08.

Conditions:
Catecholaminergic polymorphic ventricular tachycardia 1. Also called: VENTRICULAR TACHYCARDIA, CATECHOLAMINERGIC POLYMORPHIC, 1, WITH OR WITHOUT ATRIAL DYSFUNCTION AND/OR DILATED CARDIOMYOPATHY; RYR2-Related Catecholaminergic Polymorphic Ventricular Tachycardia; VENTRICULAR TACHYCARDIA, STRESS-INDUCED POLYMORPHIC 1. Identifiers: Orphanet 3286, MedGen C1631597, MONDO:0011484, OMIM 604772.
Cardiomyopathy (CMYO). Also called: Cardiomyopathies. Identifiers: Orphanet 167848, MedGen C0878544, MONDO:0004994, HP:0001638. Inheritance: Various modes of inheritance.

Allele frequency attached by ClinVar (database versions not stated): gnomAD exomes 0.00001; ExAC 0.00002.
gnomAD v4.1: 11 of 1,613,876 alleles (0.00068%); highest among the groups gnomAD compares: South Asian, 0.0055%; no homozygotes.

Submissions (3):

Labcorp Genetics (formerly Invitae), Labcorp
Classification: Likely benign for Catecholaminergic polymorphic ventricular tachycardia 1. Last evaluated: 2025-06-08. Review status: criteria provided, single submitter. Criteria: Invitae Variant Classification Sherloc (09022015). Collection method: clinical testing. Allele origin: germline.

Color Diagnostics, LLC DBA Color Health
Classification: Likely benign for Cardiomyopathy. Last evaluated: 2024-04-07. Review status: criteria provided, single submitter. Criteria: ACMG Guidelines, 2015. Collection method: clinical testing. Allele origin: germline.

GeneDx
Classification: Likely benign. Last evaluated: 2017-11-22. Review status: criteria provided, single submitter. Criteria: GeneDx Variant Classification (06012015). Collection method: clinical testing. Allele origin: germline. Affected: yes.
Comment: This variant is considered likely benign or benign based on one or more of the following criteria: it is a conservative change, it occurs at a poorly conserved position in the protein, it is predicted to be benign by multiple in silico algorithms, and/or has population frequency not consistent with disease.

NM_001035.3(RYR2):c.12843G>A (p.Thr4281=)

Genes: RYR2 (ryanodine receptor 2; plus strand), LOC126806068 (BRD4-independent group 4 enhancer GRCh37_chr1:237947411-237948610; plus strand). Cytogenetic location: 1q43.
Variant type: single nucleotide variant.
Coding change: c.12843G>A on transcript NM_001035.3 (MANE Select); coding-DNA position 12843, G replaced by A.
Protein change: p.Thr4281=; no amino-acid change (threonine 4281 retained).
Molecular consequence: synonymous variant.
Genome position (GRCh38, 1-based): chr1:237,784,555, G>A. VCF-style: chr1-237784555-G-A. GRCh37 (hg19) VCF-style: chr1-237947855-G-A.
Other names: c.12843G>A, p.Thr4281= (LRG_402t1).
Identifiers: ClinVar variation 513539 (VCV000513539.3), dbSNP rs751069299, ClinGen allele CA085247.